The following is an entry in ClinVar:

NM_018136.5(ASPM):c.5818C>G (p.Gln1940Glu)

Gene: ASPM (assembly factor for spindle microtubules; minus strand). Cytogenetic location: 1q31.3.
Variant type: single nucleotide variant.
Coding change: c.5818C>G on transcript NM_018136.5 (MANE Select); coding-DNA position 5818, C replaced by G.
Protein change: p.Gln1940Glu; replaces glutamine 1940 with glutamic acid.
Molecular consequence: missense variant. On other transcripts: intron variant (1).
Genome position (GRCh38, 1-based): chr1:197,103,433, G>C on the plus strand (C>G on the coding strand, the complement: ASPM is on the minus strand). VCF-style: chr1-197103433-G-C. GRCh37 (hg19) VCF-style: chr1-197072563-G-C.
Other names: c.4066-7269C>G (NM_001206846.2); short protein forms Q1940E.
Identifiers: ClinVar variation 225111 (VCV000225111.15), dbSNP rs142378871, ClinGen allele CA358236.
Genomic context (GRCh38, chr1:197,103,433, plus strand): 5'-CCTTCCACATAGATTGAAGCACCAGTACCGCATGACGGAGTTCAATATACTCCATACATT[G>C]CTTCCTTCCTGCAGTCCATGCTCTGAAATTTTGCTGGATGACTAATGCTGCTGTTTTAAA-3'
Protein context (NP_060606.3, residues 1930-1950): NFRAWTAGRK[Gln1940Glu]CMEYIELRHA

ClinVar aggregate classification (germline): Conflicting classifications of pathogenicity. Review status: criteria provided, conflicting classifications (1 of 4 stars). 4 submissions from 4 submitters: Uncertain significance (2); Benign (2). Last evaluated 2025-11-13.

Conditions:
Inborn genetic diseases. Identifiers: MedGen C0950123, MeSH D030342.
Microcephaly 5, primary, autosomal recessive (MCPH5). Also called: ASPM Primary Microcephaly. Identifiers: Orphanet 2512, MedGen C1837501, MONDO:0012106, OMIM 608716.

Allele frequency attached by ClinVar (database versions not stated): ESP Exome Variant Server 0.00008; gnomAD exomes 0.00017 and 0.00038; gnomAD 0.00021 and 0.00023; ExAC 0.00023; TOPMed 0.00026.
gnomAD v4.1: 316 of 1,613,138 alleles (0.02%); highest among the groups gnomAD compares: Admixed American, 0.005%; no homozygotes.

Submissions (4):

Labcorp Genetics (formerly Invitae), Labcorp
Classification: Benign. Last evaluated: 2025-11-13. Review status: criteria provided, single submitter. Criteria: Invitae Variant Classification Sherloc (09022015). Collection method: clinical testing. Allele origin: germline.

Athena Diagnostics
Classification: Benign. Last evaluated: 2019-10-08. Review status: criteria provided, single submitter. Criteria: Athena Diagnostics Criteria. Collection method: clinical testing. Allele origin: unknown.

Illumina Laboratory Services, Illumina
Classification: Uncertain significance for Microcephaly 5, primary, autosomal recessive. Last evaluated: 2018-01-13. Review status: criteria provided, single submitter. Criteria: ICSL Variant Classification Criteria 13 December 2019. Collection method: clinical testing. Allele origin: germline.

Ambry Genetics
Classification: Uncertain significance for Inborn genetic diseases. Last evaluated: 2014-03-11. Review status: criteria provided, single submitter. Criteria: Ambry Autosomal Dominant and X-Linked criteria (10/2015). Collection method: clinical testing. Allele origin: germline. Observed: 1 variant allele.
Comment: There is insufficient or conflicting evidence for classification of this alteration.